The following is an entry in ClinVar:

ClinVar aggregate classification (germline): Uncertain significance (1 of 4 stars; one submission).

Submission:

Labcorp Genetics (formerly Invitae), Labcorp
Classification: Uncertain significance. Last evaluated: 2025-03-27. Review status: criteria provided, single submitter. Criteria: Invitae Variant Classification Sherloc (09022015). Collection method: clinical testing. Allele origin: germline.
Comment: This sequence change creates a premature translational stop signal (p.Phe1733Serfs*12) in the TET2 gene. While this is not anticipated to result in nonsense mediated decay, it is expected to disrupt the last 270 amino acid(s) of the TET2 protein. This variant is not present in population databases (gnomAD no frequency). This variant has not been reported in the literature in individuals affected with TET2-related conditions. Experimental studies and prediction algorithms are not available or were not evaluated, and the functional significance of this variant is currently unknown. In summary, the available evidence is currently insufficient to determine the role of this variant in disease. Therefore, it has been classified as a Variant of Uncertain Significance.

NM_001127208.3(TET2):c.5198del (p.Phe1733fs)

Genes: TET2 (tet methylcytosine dioxygenase 2; plus strand), TET2-AS1 (TET2 antisense RNA 1; minus strand). Cytogenetic location: 4q24.
Variant type: Deletion.
Coding change: c.5198del on transcript NM_001127208.3 (MANE Select); coding-DNA position 5198, one base deleted (T; older notation c.5198delT).
Protein change: p.Phe1733fs; shifts the reading frame from phenylalanine 1733.
Molecular consequence: frameshift variant.
Genome position (GRCh38, 1-based): chr4:105,275,708, T deleted; the last of 2 consecutive T bases (chr4:105,275,707-105,275,708); deleting either gives the same sequence. VCF-style (leftmost placement, unchanged base first): chr4-105275706-CT-C. GRCh37 (hg19) VCF-style: chr4-106196863-CT-C.
Other names: short protein forms F1733fs.
Identifiers: ClinVar variation 4716195 (VCV004716195.1).